The following is an entry in ClinVar:

NM_022437.3(ABCG8):c.743C>T (p.Ala248Val)

Gene: ABCG8 (ATP binding cassette subfamily G member 8; plus strand). Cytogenetic location: 2p21.
Variant type: single nucleotide variant.
Coding change: c.743C>T on transcript NM_022437.3 (MANE Select); coding-DNA position 743, C replaced by T.
Protein change: p.Ala248Val; replaces alanine 248 with valine.
Molecular consequence: missense variant.
Genome position (GRCh38, 1-based): chr2:43,852,647, C>T. VCF-style: chr2-43852647-C-T. GRCh37 (hg19) VCF-style: chr2-44079786-C-T.
Other names: c.743C>T, p.Ala248Val (NM_001357321.2); short protein forms A248V.
Identifiers: ClinVar variation 898169 (VCV000898169.8), dbSNP rs533359544, ClinGen allele CA1637163.
Genomic context (GRCh38, chr2:43,852,647, plus strand): 5'-TGTGTTGGAAAGGAATCCTTATTCTCGACGAACCCACCTCTGGGCTCGACAGCTTCACAG[C>T]CCACAACCTGGTGAAGACCTTGTCCAGGCTGGCCAAAGGCAACCGGCTGGTGCTCATCTC-3'
Protein context (NP_071882.1, residues 238-258): EPTSGLDSFT[Ala248Val]HNLVKTLSRL

ClinVar aggregate classification (germline): Uncertain significance. Review status: criteria provided, multiple submitters, no conflicts (2 of 4 stars). 3 submissions from 3 submitters: Uncertain significance (3). Last evaluated 2025-06-12.

Conditions:
Sitosterolemia 1. Identifiers: MedGen C2749759, MONDO:0020747, OMIM 210250.
Cardiovascular phenotype. Identifiers: MedGen CN230736.

Allele frequency attached by ClinVar (database versions not stated): TOPMed below 0.00001; ExAC 0.00001; 1000 Genomes Project 30x 0.00016; gnomAD 0.00002 and below 0.00001; 1000 Genomes Project 0.00020.
gnomAD v4.1: 8 of 1,614,204 alleles (0.0005%); highest among the groups gnomAD compares: East Asian, 0.013%; no homozygotes.

Submissions (3):

Labcorp Genetics (formerly Invitae), Labcorp
Classification: Uncertain significance. Last evaluated: 2025-06-12. Review status: criteria provided, single submitter. Criteria: Invitae Variant Classification Sherloc (09022015). Collection method: clinical testing. Allele origin: germline.
Comment: This sequence change replaces alanine, which is neutral and non-polar, with valine, which is neutral and non-polar, at codon 248 of the ABCG8 protein (p.Ala248Val). This variant is present in population databases (rs533359544, gnomAD 0.02%). This variant has not been reported in the literature in individuals affected with ABCG8-related conditions. ClinVar contains an entry for this variant (Variation ID: 898169). Invitae Evidence Modeling of protein sequence and biophysical properties (such as structural, functional, and spatial information, amino acid conservation, physicochemical variation, residue mobility, and thermodynamic stability) has been performed for this missense variant. However, the output from this modeling did not meet the statistical confidence thresholds required to predict the impact of this variant on ABCG8 protein function. In summary, the available evidence is currently insufficient to determine the role of this variant in disease. Therefore, it has been classified as a Variant of Uncertain Significance.

Ambry Genetics
Classification: Uncertain significance for Cardiovascular phenotype. Last evaluated: 2025-04-30. Review status: criteria provided, single submitter. Criteria: Ambry Variant Classification Scheme 2023. Collection method: clinical testing. Allele origin: germline.

Illumina Laboratory Services, Illumina
Classification: Uncertain significance for Sitosterolemia 1. Last evaluated: 2018-01-13. Review status: criteria provided, single submitter. Criteria: ICSL Variant Classification Criteria 13 December 2019. Collection method: clinical testing. Allele origin: germline.